The following is an entry in ClinVar:

ClinVar aggregate classification (germline): Conflicting classifications of pathogenicity. Review status: criteria provided, conflicting classifications (1 of 4 stars). 2 submissions from 2 submitters: Uncertain significance (1); Likely benign (1). Last evaluated 2025-11-13.

Conditions:
Hereditary cancer-predisposing syndrome. Also called: Hereditary neoplastic syndrome; Tumor predisposition; Neoplastic Syndromes, Hereditary; Hereditary Cancer Syndrome. Identifiers: Orphanet 140162, MedGen C0027672, MeSH D009386, MONDO:0015356.
Hereditary breast ovarian cancer syndrome. Also called: Hereditary breast and ovarian cancer; Hereditary breast and/or ovarian cancer syndrome; Breast and ovarian cancer; BRCA1- and BRCA2-Associated Hereditary Breast and Ovarian Cancer; Hereditary breast and ovarian cancer syndrome; Hereditary breast and ovarian cancer syndrome (HBOC). Identifiers: Orphanet 145, MedGen C0677776, MeSH D061325, MONDO:0003582. Disease mechanism: loss of function.

Allele frequency attached by ClinVar (database versions not stated): gnomAD exomes below 0.00001.
gnomAD v4.1: 1 of 1,613,964 alleles (0.000062%); highest among the groups gnomAD compares: East Asian, 0.0022%; no homozygotes.

Submissions (2):

Ambry Genetics
Classification: Likely benign for Hereditary cancer-predisposing syndrome. Last evaluated: 2025-11-13. Review status: criteria provided, single submitter. Criteria: Ambry Variant Classification Scheme 2023. Collection method: clinical testing. Allele origin: germline.

Labcorp Genetics (formerly Invitae), Labcorp
Classification: Uncertain significance for Hereditary breast ovarian cancer syndrome. Last evaluated: 2021-12-11. Review status: criteria provided, single submitter. Criteria: Invitae Variant Classification Sherloc (09022015). Collection method: clinical testing. Allele origin: germline.
Comment: In summary, the available evidence is currently insufficient to determine the role of this variant in disease. Therefore, it has been classified as a Variant of Uncertain Significance. Advanced modeling of protein sequence and biophysical properties (such as structural, functional, and spatial information, amino acid conservation, physicochemical variation, residue mobility, and thermodynamic stability) performed at Invitae indicates that this missense variant is not expected to disrupt BRCA2 protein function. This variant has not been reported in the literature in individuals affected with BRCA2-related conditions. This variant is present in population databases (no rsID available, gnomAD 0.006%). This sequence change replaces valine, which is neutral and non-polar, with isoleucine, which is neutral and non-polar, at codon 2407 of the BRCA2 protein (p.Val2407Ile).

NM_000059.4(BRCA2):c.7219G>A (p.Val2407Ile)

Gene: BRCA2 (BRCA2 DNA repair associated; plus strand). Cytogenetic location: 13q13.1.
Variant type: single nucleotide variant.
Coding change: c.7219G>A on transcript NM_000059.4 (MANE Select); coding-DNA position 7219, G replaced by A.
Protein change: p.Val2407Ile; replaces valine 2407 with isoleucine.
Molecular consequence: missense variant.
Genome position (GRCh38, 1-based): chr13:32,355,072, G>A. VCF-style: chr13-32355072-G-A. GRCh37 (hg19) VCF-style: chr13-32929209-G-A.
Other names: c.7219G>A (NM_000059.3); short protein forms V2407I.
Identifiers: ClinVar variation 1347010 (VCV001347010.7), dbSNP rs1387721179, ClinGen allele CA387740069.